The following is an entry in ClinVar:

NM_001042492.3(NF1):c.2846dup (p.Gln950fs)

Gene: NF1 (neurofibromin 1; plus strand). Cytogenetic location: 17q11.2.
Variant type: Duplication.
Coding change: c.2846dup on transcript NM_001042492.3 (MANE Select); coding-DNA position 2846, one base duplicated (G; older notation c.2846dupG).
Protein change: p.Gln950fs; shifts the reading frame from glutamine 950.
Molecular consequence: frameshift variant.
Genome position (GRCh38, 1-based): chr17:31,229,461, G duplicated; the last of 2 consecutive G bases (chr17:31,229,460-31,229,461); duplicating either gives the same sequence. VCF-style (leftmost placement, unchanged base first): chr17-31229459-A-AG. GRCh37 (hg19) VCF-style: chr17-29556477-A-AG.
Other names: c.2846dupG (NM_000267.3); c.2846dup, p.Gln950Thrfs (NM_000267.4); short protein forms Q950fs.
Identifiers: ClinVar variation 547616 (VCV000547616.5), dbSNP rs1555614358, ClinGen allele CA658824748.

ClinVar aggregate classification (germline): Pathogenic/Likely pathogenic. Review status: criteria provided, multiple submitters, no conflicts (2 of 4 stars). 2 submissions from 2 submitters: Pathogenic (1); Likely pathogenic (1). Last evaluated 2021-12-29.

Conditions:
Neurofibromatosis, type 1 (NF1). Also called: NEUROFIBROMATOSIS, TYPE I, SOMATIC; VON RECKLINGHAUSEN DISEASE; Peripheral type neurofibromatosis; Neurofibromatosis, type I. Identifiers: Orphanet 636, MedGen C0027831, MONDO:0018975, OMIM 162200. Disease mechanism: loss of function.

Submissions (2):

Labcorp Genetics (formerly Invitae), Labcorp
Classification: Pathogenic for Neurofibromatosis, type 1. Last evaluated: 2021-12-29. Review status: criteria provided, single submitter. Criteria: Invitae Variant Classification Sherloc (09022015). Collection method: clinical testing. Allele origin: germline.
Comment: This sequence change creates a premature translational stop signal (p.Gln950Thrfs*6) in the NF1 gene. It is expected to result in an absent or disrupted protein product. Loss-of-function variants in NF1 are known to be pathogenic (PMID: 10712197, 23913538). This variant is not present in population databases (gnomAD no frequency). This variant has not been reported in the literature in individuals affected with NF1-related conditions. ClinVar contains an entry for this variant (Variation ID: 547616). For these reasons, this variant has been classified as Pathogenic.

Center for Human Genetics, Inc
Classification: Likely pathogenic for Neurofibromatosis, type 1. Last evaluated: 2016-11-01. Review status: criteria provided, single submitter. Criteria: ACMG Guidelines, 2015. Collection method: clinical testing. Allele origin: germline. Affected: yes.

Literature cited by the submitters: PubMed 10712197 (cited by Labcorp Genetics (formerly Invitae), Labcorp); PubMed 23913538 (cited by Labcorp Genetics (formerly Invitae), Labcorp).